The following is an entry in ClinVar:

NM_015021.3(ZNF292):c.2036A>G (p.Asn679Ser)

Gene: ZNF292 (zinc finger protein 292; plus strand). Cytogenetic location: 6q14.3.
Variant type: single nucleotide variant.
Coding change: c.2036A>G on transcript NM_015021.3 (MANE Select); coding-DNA position 2036, A replaced by G.
Protein change: p.Asn679Ser; replaces asparagine 679 with serine.
Molecular consequence: missense variant.
Genome position (GRCh38, 1-based): chr6:87,255,665, A>G. VCF-style: chr6-87255665-A-G. GRCh37 (hg19) VCF-style: chr6-87965383-A-G.
Other names: c.1616A>G, p.Asn539Ser (NM_001351444.2); short protein forms N539S, N679S.
Identifiers: ClinVar variation 3364643 (VCV003364643.1).

ClinVar aggregate classification (germline): Uncertain significance (1 of 4 stars; one submission).

Submission:

GeneDx
Classification: Uncertain significance. Last evaluated: 2023-11-25. Review status: criteria provided, single submitter. Criteria: GeneDx Variant Classification Process June 2021. Collection method: clinical testing. Allele origin: germline. Affected: yes.
Comment: Not observed at significant frequency in large population cohorts (gnomAD); In silico analysis supports that this missense variant does not alter protein structure/function; Has not been previously published as pathogenic or benign to our knowledge